The following is an entry in ClinVar:

NM_000051.4(ATM):c.1487G>T (p.Ser496Ile)

Gene: ATM (ATM serine/threonine kinase; plus strand). Cytogenetic location: 11q22.3.
Variant type: single nucleotide variant.
Coding change: c.1487G>T on transcript NM_000051.4 (MANE Select); coding-DNA position 1487, G replaced by T.
Protein change: p.Ser496Ile; replaces serine 496 with isoleucine.
Molecular consequence: missense variant.
Genome position (GRCh38, 1-based): chr11:108,250,952, G>T. VCF-style: chr11-108250952-G-T. GRCh37 (hg19) VCF-style: chr11-108121679-G-T.
Other names: c.1487G>T, p.Ser496Ile (NM_001351834.2); short protein forms S496I.
Identifiers: ClinVar variation 453372 (VCV000453372.13), dbSNP rs778890679, ClinGen allele CA382534200.

ClinVar aggregate classification (germline): Uncertain significance. Review status: criteria provided, multiple submitters, no conflicts (2 of 4 stars). 2 submissions from 2 submitters: Uncertain significance (2). Last evaluated 2025-09-30.

Conditions:
Hereditary cancer-predisposing syndrome. Also called: Tumor predisposition; Hereditary Cancer Syndrome; Neoplastic Syndromes, Hereditary; Hereditary neoplastic syndrome. Identifiers: Orphanet 140162, MedGen C0027672, MeSH D009386, MONDO:0015356.
Ataxia-telangiectasia syndrome (AT). Also called: Cerebello-oculocutaneous telangiectasia; Immunodeficiency with ataxia telangiectasia; Ataxia-telangiectasia, complementation group D; AT, COMPLEMENTATION GROUP C; Ataxia-telangiectasia, complementation group E; LOUIS-BAR SYNDROME. Identifiers: Orphanet 100, MedGen C0004135, MONDO:0008840, OMIM 208900.

Allele frequency attached by ClinVar (database versions not stated): TOPMed 0.00001.

Submissions (2):

Labcorp Genetics (formerly Invitae), Labcorp
Classification: Uncertain significance for Ataxia-telangiectasia syndrome. Last evaluated: 2025-09-30. Review status: criteria provided, single submitter. Criteria: Invitae Variant Classification Sherloc (09022015). Collection method: clinical testing. Allele origin: germline.
Comment: This sequence change replaces serine, which is neutral and polar, with isoleucine, which is neutral and non-polar, at codon 496 of the ATM protein (p.Ser496Ile). This variant is not present in population databases (gnomAD no frequency). This variant has not been reported in the literature in individuals affected with ATM-related conditions. ClinVar contains an entry for this variant (Variation ID: 453372). Invitae Evidence Modeling of protein sequence and biophysical properties (such as structural, functional, and spatial information, amino acid conservation, physicochemical variation, residue mobility, and thermodynamic stability) indicates that this missense variant is not expected to disrupt ATM protein function with a negative predictive value of 95%. In summary, the available evidence is currently insufficient to determine the role of this variant in disease. Therefore, it has been classified as a Variant of Uncertain Significance.

Ambry Genetics
Classification: Uncertain significance for Hereditary cancer-predisposing syndrome. Last evaluated: 2024-01-05. Review status: criteria provided, single submitter. Criteria: Ambry Variant Classification Scheme 2023. Collection method: clinical testing. Allele origin: germline.
Comment: The p.S496I variant (also known as c.1487G>T), located in coding exon 9 of the ATM gene, results from a G to T substitution at nucleotide position 1487. The serine at codon 496 is replaced by isoleucine, an amino acid with dissimilar properties. This amino acid position is well conserved in available vertebrate species. In addition, the in silico prediction for this alteration is inconclusive. Since supporting evidence is limited at this time, the clinical significance of this alteration remains unclear.